The following is an entry in ClinVar:

NM_007294.4(BRCA1):c.-13G>A

Gene: BRCA1 (BRCA1 DNA repair associated; minus strand). Cytogenetic location: 17q21.31.
Variant type: single nucleotide variant.
Coding change: c.-13G>A on transcript NM_007294.4 (MANE Select); 13 bases upstream of the start codon, G replaced by A.
Molecular consequence: 5 prime UTR variant. On other transcripts: non-coding transcript variant (1).
Genome position (GRCh38, 1-based): chr17:43,124,109, C>T on the plus strand (G>A on the coding strand, the complement: BRCA1 is on the minus strand). VCF-style: chr17-43124109-C-T. GRCh37 (hg19) VCF-style: chr17-41276126-C-T.
Other names: 5'UTR107G>A; c.-13G>A (NM_001408400.1, NM_001408401.1, NM_001408402.1 and 169 more transcripts); c.-273G>A (NM_001408410.1, NM_001408452.1, NM_001408462.1 and 22 more transcripts); c.-100G>A (NM_001408454.1, NM_001408459.1, NM_001408460.1 and 21 more transcripts); c.-270G>A (NM_001408455.1, NM_001408456.1, NM_001408468.1 and 11 more transcripts); c.-274G>A (NM_001408465.1, NM_001407695.1); c.-201G>A (NM_001408478.1, NM_001408479.1, NM_001408480.1 and 42 more transcripts); c.-346G>A (NM_001408482.1); and 9 more.
Identifiers: ClinVar variation 96892 (VCV000096892.15), dbSNP rs431825383, ClinGen allele CA000944.

ClinVar aggregate classification (germline): Likely benign. Review status: criteria provided, multiple submitters, no conflicts (2 of 4 stars). 3 submissions from 3 submitters: Likely benign (2). 1 of the submissions does not count toward it. Last evaluated 2025-03-04.

Conditions:
Breast-ovarian cancer, familial, susceptibility to, 1 (BROVCA1). Also called: BRCA1 Hereditary Breast and Ovarian Cancer; OVARIAN CANCER, SUSCEPTIBILITY TO. Identifiers: Orphanet 145, MedGen C2676676, MONDO:0011450, OMIM 604370. Disease mechanism: loss of function.
Hereditary breast ovarian cancer syndrome. Also called: Hereditary breast and/or ovarian cancer syndrome; Hereditary breast and ovarian cancer syndrome; Hereditary breast and ovarian cancer; Hereditary breast and ovarian cancer syndrome (HBOC); Breast and ovarian cancer; BRCA1- and BRCA2-Associated Hereditary Breast and Ovarian Cancer. Identifiers: Orphanet 145, MedGen C0677776, MeSH D061325, MONDO:0003582. Disease mechanism: loss of function.

Allele frequency attached by ClinVar (database versions not stated): gnomAD exomes below 0.00001.
gnomAD v4.1: 1 of 1,598,114 alleles (0.000063%); highest among the groups gnomAD compares: Non-Finnish European, 0.000086%; no homozygotes.

Submissions (4):

Center for Genomic Medicine, Rigshospitalet, Copenhagen University Hospital
Classification: Likely benign. Last evaluated: 2025-03-04. Review status: criteria provided, single submitter. Criteria: ACMG Guidelines, 2015. Collection method: clinical testing. Allele origin: germline.

Labcorp Genetics (formerly Invitae), Labcorp
Classification: Likely benign for Hereditary breast ovarian cancer syndrome. Last evaluated: 2023-11-24. Review status: criteria provided, single submitter. Criteria: Invitae Variant Classification Sherloc (09022015). Collection method: clinical testing. Allele origin: germline.

Sharing Clinical Reports Project (SCRP)
Classification: Uncertain significance for Breast-ovarian cancer, familial 1. Last evaluated: 2012-05-01. Review status: no assertion criteria provided. Collection method: clinical testing. Allele origin: germline. Not counted in ClinVar's aggregate classification.

Brotman Baty Institute, University of Washington
No classification provided (evidence only). Condition: Breast-ovarian cancer, familial 1. Review status: no classification provided. Collection method: in vitro. Allele origin: not applicable. Functional consequence: functionally_normal. Not counted in ClinVar's aggregate classification.
ClinVar note: "not provided" was previously submitted as the classification for the variant. However, the classification appeared to be based only on an observation of functional data so it was converted to no classification on 2025-07-30.

Literature cited by the submitters: PubMed 30209399 (cited by Center for Genomic Medicine, Rigshospitalet, Copenhagen University Hospital).